The following is an entry in ClinVar:

ClinVar aggregate classification (germline): Uncertain significance (1 of 4 stars; one submission).

Submission:

GeneDx
Classification: Uncertain significance. Last evaluated: 2025-03-18. Review status: criteria provided, single submitter. Criteria: GeneDx Variant Classification Process June 2021. Collection method: clinical testing. Allele origin: germline. Affected: yes.
Comment: Not observed at significant frequency in large population cohorts (gnomAD); In silico analysis supports that this missense variant has a deleterious effect on protein structure/function; Has not been previously published as pathogenic or benign to our knowledge

NM_005754.3(G3BP1):c.1184T>A (p.Leu395His)

Gene: G3BP1 (G3BP stress granule assembly factor 1; plus strand). Cytogenetic location: 5q33.1.
Variant type: single nucleotide variant.
Coding change: c.1184T>A on transcript NM_005754.3 (MANE Select); coding-DNA position 1184, T replaced by A.
Protein change: p.Leu395His; replaces leucine 395 with histidine.
Molecular consequence: missense variant.
Genome position (GRCh38, 1-based): chr5:151,800,859, T>A. VCF-style: chr5-151800859-T-A. GRCh37 (hg19) VCF-style: chr5-151180420-T-A.
Other names: c.1184T>A, p.Leu395His (NM_198395.2); short protein forms L395H.
Identifiers: ClinVar variation 4086603 (VCV004086603.1).
Genomic context (GRCh38, chr5:151,800,859, plus strand): 5'-GGAAATTACCCAATTTTGGTTTTGTTGTGTTTGATGATTCTGAGCCTGTTCAGAAAGTCC[T>A]TAGCAACAGGGTAAGCAGCTTTTTGTCTTGATTTTTTTTTTTTTTTTTTAAAAAGGGTTT-3'
Protein context (NP_005745.1, residues 385-405): FDDSEPVQKV[Leu395His]SNRPIMFRGE